The following is an entry in ClinVar:

NM_001453.3(FOXC1):c.205C>G (p.Pro69Ala)

Gene: FOXC1 (forkhead box C1; plus strand). Cytogenetic location: 6p25.3.
Variant type: single nucleotide variant.
Coding change: c.205C>G on transcript NM_001453.3 (MANE Select); coding-DNA position 205, C replaced by G.
Protein change: p.Pro69Ala; replaces proline 69 with alanine.
Molecular consequence: missense variant.
Genome position (GRCh38, 1-based): chr6:1,610,650, C>G. VCF-style: chr6-1610650-C-G. GRCh37 (hg19) VCF-style: chr6-1610885-C-G.
Other names: short protein forms P69A.
Identifiers: ClinVar variation 857469 (VCV000857469.9), dbSNP rs1762519905, ClinGen allele CA362558299.
Genomic context (GRCh38, chr6:1,610,650, plus strand): 5'-CACCCTGCGCACGCCGAGCAGTACCCGGGCGGCATGGCCCGCGCCTACGGGCCCTACACG[C>G]CGCAGCCGCAGCCCAAGGACATGGTGAAGCCGCCCTATAGCTACATCGCGCTCATCACCA-3'
Protein context (NP_001444.2, residues 59-79): GMARAYGPYT[Pro69Ala]QPQPKDMVKP

ClinVar aggregate classification (germline): Uncertain significance (1 of 4 stars; one submission).

Conditions:
Axenfeld-Rieger syndrome type 3 (RIEG3). Also called: AXENFELD-RIEGER ANOMALY WITH CARDIAC DEFECTS AND/OR SENSORINEURAL HEARING LOSS. Identifiers: Orphanet 782, MedGen C2678503, MONDO:0011233, OMIM 602482.

Submission:

Labcorp Genetics (formerly Invitae), Labcorp
Classification: Uncertain significance for Axenfeld-Rieger syndrome type 3. Last evaluated: 2019-02-14. Review status: criteria provided, single submitter. Criteria: Invitae Variant Classification Sherloc (09022015). Collection method: clinical testing. Allele origin: germline.
Comment: In summary, the available evidence is currently insufficient to determine the role of this variant in disease. Therefore, it has been classified as a Variant of Uncertain Significance. Algorithms developed to predict the effect of missense changes on protein structure and function (SIFT, PolyPhen-2, Align-GVGD) all suggest that this variant is likely to be disruptive, but these predictions have not been confirmed by published functional studies and their clinical significance is uncertain. This variant has not been reported in the literature in individuals with FOXC1-related conditions. This variant is not present in population databases (ExAC no frequency). This sequence change replaces proline with alanine at codon 69 of the FOXC1 protein (p.Pro69Ala). The proline residue is highly conserved and there is a small physicochemical difference between proline and alanine.